The following is an entry in ClinVar:

NM_014795.4(ZEB2):c.73+780A>C

Gene: ZEB2 (zinc finger E-box binding homeobox 2; minus strand). Cytogenetic location: 2q22.3.
Variant type: single nucleotide variant.
Coding change: c.73+780A>C on transcript NM_014795.4 (MANE Select); 780 bases into the intron after coding-DNA position 73, A replaced by C.
Molecular consequence: intron variant.
Genome position (GRCh38, 1-based): chr2:144,516,498, T>G on the plus strand (A>C on the coding strand, the complement: ZEB2 is on the minus strand). VCF-style: chr2-144516498-T-G. GRCh37 (hg19) VCF-style: chr2-145274065-T-G.
Other names: c.73+780A>C (NM_001171653.2).
Identifiers: ClinVar variation 3255261 (VCV003255261.2), dbSNP rs62169235.

ClinVar aggregate classification (germline): Benign (1 of 4 stars; one submission).

Allele frequency attached by ClinVar (database versions not stated): gnomAD exomes 0.08333; TOPMed 0.11442; gnomAD 0.11479; 1000 Genomes Project 30x 0.18598; 1000 Genomes Project 0.18990.
gnomAD v4.1: 16,026 of 140,274 alleles (11%); highest among the groups gnomAD compares: East Asian, 51%; 1,561 homozygotes.

Submission:

Unidad de Genómica Garrahan, Hospital de Pediatría Garrahan
Classification: Benign. Last evaluated: 2024-07-15. Review status: criteria provided, single submitter. Criteria: ACMG Guidelines, 2015. Collection method: clinical testing. Allele origin: germline. Affected: no. Observed: 55 variant alleles.
Comment: This variant is classified as Benign based on local population frequency. This variant was detected in 59% of patients studied in a panel designed for Epileptic and Developmental Encephalopathy and Progressive Myoclonus Epilepsy. Number of patients: 55. Only high quality variants are reported.